The following is an entry in ClinVar:

ClinVar aggregate classification (germline): Uncertain significance. Review status: criteria provided, multiple submitters, no conflicts (2 of 4 stars). 2 submissions from 2 submitters: Uncertain significance (2). Last evaluated 2025-12-23.

Conditions:
Cardiovascular phenotype. Identifiers: MedGen CN230736.
Progressive familial heart block type IB (PFHB1B). Identifiers: Orphanet 871, MedGen C1970298, MONDO:0011474, OMIM 604559.

Allele frequency attached by ClinVar (database versions not stated): gnomAD 0.00001; TOPMed 0.00001.
gnomAD v4.1: 49 of 1,614,036 alleles (0.003%); highest among the groups gnomAD compares: South Asian, 0.022%; no homozygotes.

Submissions (2):

Labcorp Genetics (formerly Invitae), Labcorp
Classification: Uncertain significance for Progressive familial heart block type IB. Last evaluated: 2025-12-23. Review status: criteria provided, single submitter. Criteria: Invitae Variant Classification Sherloc (09022015). Collection method: clinical testing. Allele origin: germline.
Comment: This sequence change replaces glycine, which is neutral and non-polar, with serine, which is neutral and polar, at codon 163 of the TRPM4 protein (p.Gly163Ser). This variant is present in population databases (rs770211728, gnomAD 0.02%). This variant has not been reported in the literature in individuals affected with TRPM4-related conditions. ClinVar contains an entry for this variant (Variation ID: 960481). An algorithm developed to predict the effect of missense changes on protein structure and function (PolyPhen-2) suggests that this variant is likely to be disruptive. In summary, the available evidence is currently insufficient to determine the role of this variant in disease. Therefore, it has been classified as a Variant of Uncertain Significance.

Ambry Genetics
Classification: Uncertain significance for Cardiovascular phenotype. Last evaluated: 2025-09-17. Review status: criteria provided, single submitter. Criteria: Ambry Variant Classification Scheme 2023. Collection method: clinical testing. Allele origin: germline.
Comment: The p.G163S variant (also known as c.487G>A), located in coding exon 5 of the TRPM4 gene, results from a G to A substitution at nucleotide position 487. The glycine at codon 163 is replaced by serine, an amino acid with similar properties. This amino acid position is well conserved in available vertebrate species. In addition, this alteration is predicted to be tolerated by in silico analysis. Since supporting evidence is limited at this time, the clinical significance of this alteration remains unclear.

NM_017636.4(TRPM4):c.487G>A (p.Gly163Ser)

Gene: TRPM4 (transient receptor potential cation channel subfamily M member 4; plus strand). Cytogenetic location: 19q13.33.
Variant type: single nucleotide variant.
Coding change: c.487G>A on transcript NM_017636.4 (MANE Select); coding-DNA position 487, G replaced by A.
Protein change: p.Gly163Ser; replaces glycine 163 with serine.
Molecular consequence: missense variant. On other transcripts: 5 prime UTR variant (2), intron variant (2).
Genome position (GRCh38, 1-based): chr19:49,168,298, G>A. VCF-style: chr19-49168298-G-A. GRCh37 (hg19) VCF-style: chr19-49671555-G-A.
Other names: c.487G>A, p.Gly163Ser (NM_001195227.2); c.-1067G>A (NM_001321282.2); c.-36G>A (NM_001321283.2); c.268-255G>A (NM_001321281.2); c.-237-255G>A (NM_001321285.2); short protein forms G163S.
Identifiers: ClinVar variation 960481 (VCV000960481.12), dbSNP rs770211728, ClinGen allele CA9568845.
Genomic context (GRCh38, chr19:49,168,298, plus strand): 5'-ATGTTCCTCGGCGTCTGTGTAGGAGCCTGGATTGTCACTGGGGGTCTGCACACGGGCATC[G>A]GCCGGCATGTTGGTGTGGCTGTACGGGACCATCAGATGGCCAGCACTGGGGGCACCAAGG-3'
Protein context (NP_060106.2, residues 153-173): IVTGGLHTGI[Gly163Ser]RHVGVAVRDH